The following is an entry in ClinVar:

ClinVar aggregate classification (germline): Benign (1 of 4 stars; one submission).

Conditions:
Neuropathy, hereditary sensory and autonomic, type 1C. Also called: HSAN IC; HSN IC. Identifiers: Orphanet 36386, MedGen C3150896, MONDO:0013337, OMIM 613640.

Allele frequency attached by ClinVar (database versions not stated): 1000 Genomes Project 0.00639; gnomAD 0.00653 and 0.00712; 1000 Genomes Project 30x 0.00656; TOPMed 0.00755.

Submission:

Illumina Laboratory Services, Illumina
Classification: Benign for Neuropathy, hereditary sensory and autonomic, type 1C. Last evaluated: 2018-01-13. Review status: criteria provided, single submitter. Criteria: ICSL Variant Classification Criteria 13 December 2019. Collection method: clinical testing. Allele origin: germline.
Comment: This variant was observed in the ICSL laboratory as part of a predisposition screen in an ostensibly healthy population. It had not been previously curated by ICSL or reported in the Human Gene Mutation Database (HGMD: prior to June 1st, 2018), and was therefore a candidate for classification through an automated scoring system. Utilizing variant allele frequency, disease prevalence and penetrance estimates, and inheritance mode, an automated score was calculated to assess if this variant is too frequent to cause the disease. Based on the score and internal cut-off values, a variant classified as benign is not then subjected to further curation. The score for this variant resulted in a classification of benign for this disease.

NM_004863.4(SPTLC2):c.*1729G>A

Gene: SPTLC2 (serine palmitoyltransferase long chain base subunit 2; minus strand). Cytogenetic location: 14q24.3.
Variant type: single nucleotide variant.
Coding change: c.*1729G>A on transcript NM_004863.4 (MANE Select); 1729 bases downstream of the stop codon, G replaced by A.
Molecular consequence: 3 prime UTR variant.
Genome position (GRCh38, 1-based): chr14:77,510,555, C>T on the plus strand (G>A on the coding strand, the complement: SPTLC2 is on the minus strand). VCF-style: chr14-77510555-C-T. GRCh37 (hg19) VCF-style: chr14-77976898-C-T.
Identifiers: ClinVar variation 314636 (VCV000314636.5), dbSNP rs143610997, ClinGen allele CA10646386.